The following is an entry in ClinVar:

ClinVar aggregate classification (germline): Uncertain significance (1 of 4 stars; one submission).

Conditions:
Early-infantile DEE. Also called: Early infantile epileptic encephalopathy; Ohtahara syndrome; Early infantile epileptic encephalopathy with suppression bursts. Identifiers: Orphanet 1934, MedGen C0393706, MONDO:0800491.

gnomAD v4.1: 3 of 1,614,154 alleles (0.00019%); highest among the groups gnomAD compares: South Asian, 0.0011%; no homozygotes.

Submission:

Labcorp Genetics (formerly Invitae), Labcorp
Classification: Uncertain significance for Early-infantile DEE. Last evaluated: 2024-02-01. Review status: criteria provided, single submitter. Criteria: Invitae Variant Classification Sherloc (09022015). Collection method: clinical testing. Allele origin: germline.
Comment: This sequence change replaces arginine, which is basic and polar, with glutamine, which is neutral and polar, at codon 1870 of the SPTAN1 protein (p.Arg1870Gln). This variant is not present in population databases (gnomAD no frequency). This variant has not been reported in the literature in individuals affected with SPTAN1-related conditions. ClinVar contains an entry for this variant (Variation ID: 1448394). Advanced modeling of protein sequence and biophysical properties (such as structural, functional, and spatial information, amino acid conservation, physicochemical variation, residue mobility, and thermodynamic stability) has been performed at Invitae for this missense variant, however the output from this modeling did not meet the statistical confidence thresholds required to predict the impact of this variant on SPTAN1 protein function. In summary, the available evidence is currently insufficient to determine the role of this variant in disease. Therefore, it has been classified as a Variant of Uncertain Significance.

NM_001130438.3(SPTAN1):c.5609G>A (p.Arg1870Gln)

Gene: SPTAN1 (spectrin alpha, non-erythrocytic 1; plus strand). Cytogenetic location: 9q34.11.
Variant type: single nucleotide variant.
Coding change: c.5609G>A on transcript NM_001130438.3 (MANE Select); coding-DNA position 5609, G replaced by A.
Protein change: p.Arg1870Gln; replaces arginine 1870 with glutamine.
Molecular consequence: missense variant.
Genome position (GRCh38, 1-based): chr9:128,618,879, G>A. VCF-style: chr9-128618879-G-A. GRCh37 (hg19) VCF-style: chr9-131381158-G-A.
Other names: c.5534G>A, p.Arg1845Gln (NM_001195532.2); c.5609G>A, p.Arg1870Gln (NM_001363759.2, NM_001375310.1, NM_001375311.2 and 1 more transcripts); c.5549G>A, p.Arg1850Gln (NM_001363765.2, NM_001375314.2); c.5645G>A, p.Arg1882Gln (NM_001375312.2, NM_001375318.1); c.5594G>A, p.Arg1865Gln (NM_003127.4); short protein forms R1865Q, R1870Q, R1845Q, R1850Q, R1882Q.
Identifiers: ClinVar variation 1448394 (VCV001448394.9), dbSNP rs1857510980, ClinGen allele CA375077701.